The following is an entry in ClinVar:

ClinVar aggregate classification (germline): Uncertain significance (1 of 4 stars; one submission).

gnomAD v4.1: 4 of 1,614,006 alleles (0.00025%); highest among the groups gnomAD compares: Admixed American, 0.0017%; no homozygotes.

Submission:

Labcorp Genetics (formerly Invitae), Labcorp
Classification: Uncertain significance. Last evaluated: 2024-11-27. Review status: criteria provided, single submitter. Criteria: Invitae Variant Classification Sherloc (09022015). Collection method: clinical testing. Allele origin: germline.
Comment: This sequence change replaces aspartic acid, which is acidic and polar, with asparagine, which is neutral and polar, at codon 556 of the TRPV6 protein (p.Asp556Asn). This variant is not present in population databases (gnomAD no frequency). This variant has not been reported in the literature in individuals affected with TRPV6-related conditions. An algorithm developed to predict the effect of missense changes on protein structure and function outputs the following: PolyPhen-2: "Not Available". The asparagine amino acid residue is found in multiple mammalian species, which suggests that this missense change does not adversely affect protein function. In summary, the available evidence is currently insufficient to determine the role of this variant in disease. Therefore, it has been classified as a Variant of Uncertain Significance.

NM_018646.6(TRPV6):c.1666G>A (p.Asp556Asn)

Gene: TRPV6 (transient receptor potential cation channel subfamily V member 6; minus strand). Cytogenetic location: 7q34.
Variant type: single nucleotide variant.
Coding change: c.1666G>A on transcript NM_018646.6 (MANE Select); coding-DNA position 1666, G replaced by A.
Protein change: p.Asp556Asn; replaces aspartic acid 556 with asparagine.
Molecular consequence: missense variant.
Genome position (GRCh38, 1-based): chr7:142,873,690, C>T on the plus strand (G>A on the coding strand, the complement: TRPV6 is on the minus strand). VCF-style: chr7-142873690-C-T. GRCh37 (hg19) VCF-style: chr7-142571443-C-T.
Other names: short protein forms D556N.
Identifiers: ClinVar variation 3686305 (VCV003686305.2).
Genomic context (GRCh38, chr7:142,873,690, plus strand): 5'-GCTCGAAGGTGCTGAACAGGGCCATGGGGTAGTCGTAGAAGTGGCCTAGCTCCTCGGGGT[C>T]CTCTGTCTGGAAGATGATATAGAAGGCTGCTCCACCCAAGGGGGTGAGGGTTACCATGGC-3'
Protein context (NP_061116.5, residues 546-566): SAFYIIFQTE[Asp556Asn]PEELGHFYDY